The following is an entry in ClinVar:

NM_000218.3(KCNQ1):c.461G>T (p.Gly154Val)

Gene: KCNQ1 (potassium voltage-gated channel subfamily Q member 1; plus strand). Cytogenetic location: 11p15.5.
Variant type: single nucleotide variant.
Coding change: c.461G>T on transcript NM_000218.3 (MANE Select); coding-DNA position 461, G replaced by T.
Protein change: p.Gly154Val; replaces glycine 154 with valine.
Molecular consequence: missense variant.
Genome position (GRCh38, 1-based): chr11:2,528,002, G>T. VCF-style: chr11-2528002-G-T. GRCh37 (hg19) VCF-style: chr11-2549232-G-T.
Other names: c.461G>T, p.Gly154Val (NM_001406836.1, NM_001406838.1); c.191G>T, p.Gly64Val (NM_001406837.1); c.80G>T, p.Gly27Val (NM_181798.2); short protein forms G154V, G27V, G64V.
Identifiers: ClinVar variation 3386923 (VCV003386923.1).
Genomic context (GRCh38, chr11:2,528,002, plus strand): 5'-TGGTCTGCCTCATCTTCAGCGTGCTGTCCACCATCGAGCAGTATGCCGCCCTGGCCACGG[G>T]GACTCTCTTCTGGATGGTACGTAGCATCTGAGGGCATGGCTGGATGTCATGGCTGCCTTG-3'
Protein context (NP_000209.2, residues 144-164): TIEQYAALAT[Gly154Val]TLFWMEIVLV

ClinVar aggregate classification (germline): Uncertain significance (1 of 4 stars; one submission).

Conditions:
Long QT syndrome (LQTS). Identifiers: MedGen C0023976, MeSH D008133, MONDO:0002442. Disease mechanism: loss of function. Inheritance: Various modes of inheritance.

gnomAD v4.1: 3 of 1,613,620 alleles (0.00019%); highest among the groups gnomAD compares: Non-Finnish European, 0.00025%; no homozygotes.

Submission:

All of Us Research Program, National Institutes of Health
Classification: Uncertain significance for Long QT syndrome. Last evaluated: 2024-04-25. Review status: criteria provided, single submitter. Criteria: ACMG Guidelines, 2015. Collection method: clinical testing. Allele origin: germline. Inheritance: Autosomal dominant inheritance. Observed: 1 variant allele, 1 heterozygote.
Comment: This missense variant replaces glycine with valine at codon 154 of the KCNQ1 protein. Computational prediction is inconclusive regarding the impact of this variant on protein structure and function (internally defined REVEL score threshold 0.5 < inconclusive < 0.7, PMID: 27666373). To our knowledge, functional studies have not been reported for this variant. This variant has not been reported in individuals affected with KCNQ1-related disorders in the literature. This variant has not been identified in the general population by the Genome Aggregation Database (gnomAD). The available evidence is insufficient to determine the role of this variant in disease conclusively. Therefore, this variant is classified as a Variant of Uncertain Significance.

This study involves interpretation of variants in research participants for the purpose of population health screening. Participant phenotype was not available at the time of variant classification. Additional details can be found in publication PMID: 35346344, PMCID: PMC8962531